The following is an entry in ClinVar:

NM_001253697.2(ERBIN):c.1637T>C (p.Val546Ala)

Gene: ERBIN (erbb2 interacting protein; plus strand). Cytogenetic location: 5q12.3.
Variant type: single nucleotide variant.
Coding change: c.1637T>C on transcript NM_001253697.2 (MANE Select); coding-DNA position 1637, T replaced by C.
Protein change: p.Val546Ala; replaces valine 546 with alanine.
Molecular consequence: missense variant.
Genome position (GRCh38, 1-based): chr5:66,046,387, T>C. VCF-style: chr5-66046387-T-C. GRCh37 (hg19) VCF-style: chr5-65342215-T-C.
Other names: c.1637T>C, p.Val546Ala (NM_001006600.3, NM_001253698.2, NM_001253699.2 and 1 more transcripts); c.1625T>C, p.Val542Ala (NM_001253701.2); short protein forms V546A, V542A.
Identifiers: ClinVar variation 4761951 (VCV004761951.1).

ClinVar aggregate classification (germline): Uncertain significance (1 of 4 stars; one submission).

Submission:

Labcorp Genetics (formerly Invitae), Labcorp
Classification: Uncertain significance. Last evaluated: 2025-09-18. Review status: criteria provided, single submitter. Criteria: Invitae Variant Classification Sherloc (09022015). Collection method: clinical testing. Allele origin: germline.
Comment: This sequence change replaces valine, which is neutral and non-polar, with alanine, which is neutral and non-polar, at codon 546 of the ERBIN protein (p.Val546Ala). This variant is not present in population databases (gnomAD no frequency). This variant has not been reported in the literature in individuals affected with ERBIN-related conditions. An algorithm developed to predict the effect of missense changes on protein structure and function outputs the following: PolyPhen-2: "Benign". The alanine amino acid residue is found in multiple mammalian species, which suggests that this missense change does not adversely affect protein function. In summary, the available evidence is currently insufficient to determine the role of this variant in disease. Therefore, it has been classified as a Variant of Uncertain Significance.